The following is an entry in ClinVar:

ClinVar aggregate classification (germline): Uncertain significance (1 of 4 stars; one submission).

Conditions:
Hypophosphatasia. Also called: Phosphoethanol-aminuria. Identifiers: Orphanet 436, MedGen C0020630, MeSH D007014, MONDO:0018570.

Submission:

Genomenon, Inc
Classification: Uncertain significance for Hypophosphatasia. Last evaluated: 2025-08-29. Review status: criteria provided, single submitter. Criteria: Genomenon Sequence Variant Interpretation Standards. Collection method: curation. Allele origin: germline. Affected: yes.
Comment: ALPL c.-93C>T is a variant located in the 5′ untranslated region (5′ UTR). This variant has been observed in at least one proband affected with hypophosphatasia (PMID:28881669). The variant was found to segregate with disease in at least one affected family (PMID:28881669). It is absent or not present at a significant frequency in gnomAD. In conclusion, we classify ALPL c.-93C>T as a variant of unknown significance.

Literature cited by the submitters: PubMed 28881669.

NM_000478.6(ALPL):c.-93C>T

Gene: ALPL (alkaline phosphatase, biomineralization associated; plus strand). Cytogenetic location: 1p36.12.
Variant type: single nucleotide variant.
Coding change: c.-93C>T on transcript NM_000478.6 (MANE Select); 93 bases upstream of the start codon, C replaced by T.
Molecular consequence: 5 prime UTR variant. On other transcripts: intron variant (2).
Genome position (GRCh38, 1-based): chr1:21,553,989, C>T. VCF-style: chr1-21553989-C-T. GRCh37 (hg19) VCF-style: chr1-21880482-C-T.
Other names: c.-93C>T (NM_001369803.2, NM_001369804.2, NM_001369805.2); c.-104-6637C>T (NM_001127501.4); c.-54-6637C>T (NM_001177520.3).
Identifiers: ClinVar variation 4086820 (VCV004086820.1).